The following is an entry in ClinVar:

NM_006431.3(CCT2):c.394G>A (p.Glu132Lys)

Gene: CCT2 (chaperonin containing TCP1 subunit 2; plus strand). Cytogenetic location: 12q15.
Variant type: single nucleotide variant.
Coding change: c.394G>A on transcript NM_006431.3 (MANE Select); coding-DNA position 394, G replaced by A.
Protein change: p.Glu132Lys; replaces glutamic acid 132 with lysine.
Molecular consequence: missense variant.
Genome position (GRCh38, 1-based): chr12:69,588,210, G>A. VCF-style: chr12-69588210-G-A. GRCh37 (hg19) VCF-style: chr12-69981990-G-A.
Other names: c.253G>A, p.Glu85Lys (NM_001198842.2); c.394G>A (NM_006431.2); short protein forms E132K, E85K.
Identifiers: ClinVar variation 1008495 (VCV001008495.9), dbSNP rs1159233087, ClinGen allele CA385725048.

ClinVar aggregate classification (germline): Uncertain significance. Review status: criteria provided, multiple submitters, no conflicts (2 of 4 stars). 2 submissions from 2 submitters: Uncertain significance (2). Last evaluated 2025-08-11.

Allele frequency attached by ClinVar (database versions not stated): TOPMed below 0.00001; gnomAD 0.00001; gnomAD exomes 0.00003.

Submissions (2):

Ambry Genetics
Classification: Uncertain significance. Last evaluated: 2025-08-11. Review status: criteria provided, single submitter. Criteria: Ambry Variant Classification Scheme 2023. Collection method: clinical testing. Allele origin: germline.

Labcorp Genetics (formerly Invitae), Labcorp
Classification: Uncertain significance. Last evaluated: 2023-11-25. Review status: criteria provided, single submitter. Criteria: Invitae Variant Classification Sherloc (09022015). Collection method: clinical testing. Allele origin: germline.
Comment: This sequence change replaces glutamic acid, which is acidic and polar, with lysine, which is basic and polar, at codon 132 of the CCT2 protein (p.Glu132Lys). This variant is not present in population databases (gnomAD no frequency). This variant has not been reported in the literature in individuals affected with CCT2-related conditions. ClinVar contains an entry for this variant (Variation ID: 1008495). An algorithm developed to predict the effect of missense changes on protein structure and function (PolyPhen-2) suggests that this variant is likely to be tolerated. In summary, the available evidence is currently insufficient to determine the role of this variant in disease. Therefore, it has been classified as a Variant of Uncertain Significance.